The following is an entry in ClinVar:

NM_000257.4(MYH7):c.2360G>C (p.Arg787Pro)

Genes: MYH7 (myosin heavy chain 7; minus strand), LOC126861898 (BRD4-independent group 4 enhancer GRCh37_chr14:23893609-23894808; plus strand). Cytogenetic location: 14q11.2.
Variant type: single nucleotide variant.
Coding change: c.2360G>C on transcript NM_000257.4 (MANE Select); coding-DNA position 2360, G replaced by C.
Protein change: p.Arg787Pro; replaces arginine 787 with proline.
Molecular consequence: missense variant.
Genome position (GRCh38, 1-based): chr14:23,425,345, C>G on the plus strand (G>C on the coding strand, the complement: MYH7 is on the minus strand). VCF-style: chr14-23425345-C-G. GRCh37 (hg19) VCF-style: chr14-23894554-C-G.
Other names: short protein forms R787P.
Identifiers: ClinVar variation 572375 (VCV000572375.11), dbSNP rs376754645, ClinGen allele CA389048579.

ClinVar aggregate classification (germline): Conflicting classifications of pathogenicity. Review status: criteria provided, conflicting classifications (1 of 4 stars). 3 submissions from 3 submitters: Likely pathogenic (1); Uncertain significance (2). Last evaluated 2025-11-21.

Conditions:
Cardiovascular phenotype. Identifiers: MedGen CN230736.
Hypertrophic cardiomyopathy. Also called: HYPERTROPHIC MYOCARDIOPATHY. Identifiers: Orphanet 217569, MedGen C0007194, MeSH D002312, MONDO:0005045, HP:0001639.

Submissions (3):

Molecular Diagnostic Laboratory for Inherited Cardiovascular Disease, Montreal Heart Institute
Classification: Likely pathogenic for Cardiovascular phenotype. Last evaluated: 2025-11-21. Review status: criteria provided, single submitter. Criteria: ACMG Guidelines, 2015. Collection method: clinical testing. Allele origin: germline. Affected: yes.
Comment: PM1, PM2, PM6

Blueprint Genetics
Classification: Uncertain significance. Last evaluated: 2023-09-13. Review status: criteria provided, single submitter. Criteria: ACMG Guidelines, 2015. Collection method: clinical testing. Allele origin: germline.

Labcorp Genetics (formerly Invitae), Labcorp
Classification: Uncertain significance for Hypertrophic cardiomyopathy. Last evaluated: 2022-03-19. Review status: criteria provided, single submitter. Criteria: Invitae Variant Classification Sherloc (09022015). Collection method: clinical testing. Allele origin: germline.
Comment: Algorithms developed to predict the effect of sequence changes on RNA splicing suggest that this variant is not likely to affect RNA splicing. This sequence change replaces arginine, which is basic and polar, with proline, which is neutral and non-polar, at codon 787 of the MYH7 protein (p.Arg787Pro). This variant is not present in population databases (gnomAD no frequency). This variant has not been reported in the literature in individuals affected with MYH7-related conditions. ClinVar contains an entry for this variant (Variation ID: 572375). Algorithms developed to predict the effect of missense changes on protein structure and function (SIFT, PolyPhen-2, Align-GVGD) all suggest that this variant is likely to be disruptive. This variant is found within a region of MYH7 between codons 181 and 937 that contains the majority of the myosin head domain. Missense variants in this region have been shown to be significantly overrepresented in individuals with hypertrophic cardiomyopathy (PMID: 27532257). In summary, the available evidence is currently insufficient to determine the role of this variant in disease. Therefore, it has been classified as a Variant of Uncertain Significance.

Literature cited by the submitters: PubMed 27532257 (cited by Labcorp Genetics (formerly Invitae), Labcorp).